The following is an entry in ClinVar:

ClinVar aggregate classification (germline): Uncertain significance (1 of 4 stars; one submission).

Conditions:
Familial thoracic aortic aneurysm and aortic dissection (TAAD). Also called: Thoracic aortic aneurysms and dissections. Identifiers: Orphanet 91387, MedGen C4707243, MONDO:0019625.

Allele frequency attached by ClinVar (database versions not stated): gnomAD exomes below 0.00001.
gnomAD v4.1: 1 of 1,557,916 alleles (0.000064%); highest among the groups gnomAD compares: Non-Finnish European, 0.000087%; no homozygotes.

Submission:

Ambry Genetics
Classification: Uncertain significance for Familial thoracic aortic aneurysm and aortic dissection. Last evaluated: 2023-12-22. Review status: criteria provided, single submitter. Criteria: Ambry Variant Classification Scheme 2023. Collection method: clinical testing. Allele origin: germline.
Comment: The p.R323W variant (also known as c.967C>T), located in coding exon 1 of the SKI gene, results from a C to T substitution at nucleotide position 967. The arginine at codon 323 is replaced by tryptophan, an amino acid with dissimilar properties. This amino acid position is conserved. In addition, the in silico prediction for this alteration is inconclusive. Since supporting evidence is limited at this time, the clinical significance of this alteration remains unclear.

NM_003036.4(SKI):c.967C>T (p.Arg323Trp)

Gene: SKI (SKI proto-oncogene; plus strand). Cytogenetic location: 1p36.33.
Variant type: single nucleotide variant.
Coding change: c.967C>T on transcript NM_003036.4 (MANE Select); coding-DNA position 967, C replaced by T.
Protein change: p.Arg323Trp; replaces arginine 323 with tryptophan.
Molecular consequence: missense variant.
Genome position (GRCh38, 1-based): chr1:2,229,733, C>T. VCF-style: chr1-2229733-C-T. GRCh37 (hg19) VCF-style: chr1-2161172-C-T.
Other names: short protein forms R323W.
Identifiers: ClinVar variation 3223076 (VCV003223076.1), dbSNP rs1365734743, ClinGen allele CA337956640.